The following is an entry in ClinVar:

ClinVar aggregate classification (germline): Uncertain significance. Review status: criteria provided, multiple submitters, no conflicts (2 of 4 stars). 2 submissions from 2 submitters: Uncertain significance (2). Last evaluated 2025-05-25.

Conditions:
Catecholaminergic polymorphic ventricular tachycardia 1. Also called: RYR2-Related Catecholaminergic Polymorphic Ventricular Tachycardia; VENTRICULAR TACHYCARDIA, STRESS-INDUCED POLYMORPHIC 1; VENTRICULAR TACHYCARDIA, CATECHOLAMINERGIC POLYMORPHIC, 1, WITH OR WITHOUT ATRIAL DYSFUNCTION AND/OR DILATED CARDIOMYOPATHY. Identifiers: Orphanet 3286, MedGen C1631597, MONDO:0011484, OMIM 604772.
Catecholaminergic polymorphic ventricular tachycardia (CVPT). Also called: Catecholamine-induced polymorphic ventricular tachycardia. Identifiers: Orphanet 3286, MedGen C5574922, MONDO:0017990.

Allele frequency attached by ClinVar (database versions not stated): TOPMed below 0.00001.

Submissions (2):

Labcorp Genetics (formerly Invitae), Labcorp
Classification: Uncertain significance for Catecholaminergic polymorphic ventricular tachycardia 1. Last evaluated: 2025-05-25. Review status: criteria provided, single submitter. Criteria: Invitae Variant Classification Sherloc (09022015). Collection method: clinical testing. Allele origin: germline.
Comment: This sequence change replaces glutamic acid, which is acidic and polar, with lysine, which is basic and polar, at codon 2377 of the RYR2 protein (p.Glu2377Lys). This variant is not present in population databases (gnomAD no frequency). This variant has not been reported in the literature in individuals affected with RYR2-related conditions. ClinVar contains an entry for this variant (Variation ID: 3069940). Invitae Evidence Modeling of protein sequence and biophysical properties (such as structural, functional, and spatial information, amino acid conservation, physicochemical variation, residue mobility, and thermodynamic stability) indicates that this missense variant is not expected to disrupt RYR2 protein function with a negative predictive value of 95%. In summary, the available evidence is currently insufficient to determine the role of this variant in disease. Therefore, it has been classified as a Variant of Uncertain Significance.

All of Us Research Program, National Institutes of Health
Classification: Uncertain significance for Catecholaminergic polymorphic ventricular tachycardia. Last evaluated: 2023-03-23. Review status: criteria provided, single submitter. Criteria: ACMG Guidelines, 2015. Collection method: clinical testing. Allele origin: germline. Inheritance: Autosomal dominant inheritance. Observed: 1 variant allele, 1 heterozygote.
Comment: This missense variant replaces glutamic acid with lysine at codon 2377 of the RYR2 protein. Computational prediction suggests that this variant may not impact protein structure and function (internally defined REVEL score threshold <= 0.5, PMID: 27666373). To our knowledge, functional studies have not been reported for this variant. This variant has not been reported in individuals affected with RYR2-related disorders in the literature. This variant has not been identified in the general population by the Genome Aggregation Database (gnomAD). The available evidence is insufficient to determine the role of this variant in disease conclusively. Therefore, this variant is classified as a Variant of Uncertain Significance.

This study involves interpretation of variants in research participants for the purpose of population health screening. Participant phenotype was not available at the time of variant classification. Additional details can be found in publication PMID: 35346344, PMCID: PMC8962531

NM_001035.3(RYR2):c.7129G>A (p.Glu2377Lys)

Gene: RYR2 (ryanodine receptor 2; plus strand). Cytogenetic location: 1q43.
Variant type: single nucleotide variant.
Coding change: c.7129G>A on transcript NM_001035.3 (MANE Select); coding-DNA position 7129, G replaced by A.
Protein change: p.Glu2377Lys; replaces glutamic acid 2377 with lysine.
Molecular consequence: missense variant.
Genome position (GRCh38, 1-based): chr1:237,640,910, G>A. VCF-style: chr1-237640910-G-A. GRCh37 (hg19) VCF-style: chr1-237804210-G-A.
Other names: short protein forms E2377K.
Identifiers: ClinVar variation 3069940 (VCV003069940.2), dbSNP rs1237942333, ClinGen allele CA345396543.
Genomic context (GRCh38, chr1:237,640,910, plus strand): 5'-TCAGTTATCCCATTTGCTTTCTCTTTCTTTTGAAACATTCATGAAAGTGACACAGAGGAG[G>A]AGGAAGATGACACTATCCACATGGGGAACGCGATCATGACCTTCTATTCAGCTTTGATTG-3'
Protein context (NP_001026.2, residues 2367-2387): GSSKTLDTEE[Glu2377Lys]EDDTIHMGNA